The following is an entry in ClinVar:

NM_080860.4(RSPH1):c.579A>G (p.Arg193=)

Gene: RSPH1 (radial spoke head component 1; minus strand). Cytogenetic location: 21q22.3.
Variant type: single nucleotide variant.
Coding change: c.579A>G on transcript NM_080860.4 (MANE Select); coding-DNA position 579, A replaced by G.
Protein change: p.Arg193=; no amino-acid change (arginine 193 retained).
Molecular consequence: synonymous variant.
Genome position (GRCh38, 1-based): chr21:42,477,439, T>C on the plus strand (A>G on the coding strand, the complement: RSPH1 is on the minus strand). VCF-style: chr21-42477439-T-C. GRCh37 (hg19) VCF-style: chr21-43897549-T-C.
Other names: p.Arg193=; c.465A>G, p.Arg155= (NM_001286506.2).
Identifiers: ClinVar variation 227051 (VCV000227051.19), dbSNP rs149478284, ClinGen allele CA10043867.

ClinVar aggregate classification (germline): Benign. Review status: criteria provided, multiple submitters, no conflicts (2 of 4 stars). 6 submissions from 6 submitters: Benign (6). Last evaluated 2026-02-04.

Conditions:
Primary ciliary dyskinesia. Also called: Ciliary dyskinesia. Identifiers: Orphanet 244, MedGen C0008780, MONDO:0016575, HP:0012265.

Allele frequency attached by ClinVar (database versions not stated): 1000 Genomes Project 30x 0.01577; 1000 Genomes Project 0.01637; TOPMed 0.02612; gnomAD 0.02941 and 0.02988; ESP Exome Variant Server 0.03145; ExAC 0.03300; gnomAD exomes 0.03356 and 0.03692.
gnomAD v4.1: 58,449 of 1,613,592 alleles (3.6%); highest among the groups gnomAD compares: South Asian, 4.1%; 1,251 homozygotes.

Submissions (6):

Labcorp Genetics (formerly Invitae), Labcorp
Classification: Benign for Primary ciliary dyskinesia. Last evaluated: 2026-02-04. Review status: criteria provided, single submitter. Criteria: Invitae Variant Classification Sherloc (09022015). Collection method: clinical testing. Allele origin: germline.

Blueprint Genetics
Classification: Benign. Last evaluated: 2024-11-28. Review status: criteria provided, single submitter. Criteria: ACMG Guidelines, 2015. Collection method: clinical testing. Allele origin: germline.

Mayo Clinic Laboratories, Mayo Clinic
Classification: Benign. Last evaluated: 2022-04-26. Review status: criteria provided, single submitter. Criteria: ACMG Guidelines, 2015. Collection method: clinical testing. Allele origin: germline. Observed: 12 variant alleles.

GeneDx
Classification: Benign. Last evaluated: 2019-06-06. Review status: criteria provided, single submitter. Criteria: GeneDx Variant Classification Process June 2021. Collection method: clinical testing. Allele origin: germline. Affected: yes.

Laboratory for Molecular Medicine, Mass General Brigham Personalized Medicine
Classification: Benign. Last evaluated: 2014-11-24. Review status: criteria provided, single submitter. Criteria: LMM Criteria. Collection method: clinical testing. Allele origin: germline. Observed: 6 variant alleles.
Comment: Arg193Arg in exon 7 of RSPH1: This variant is not expected to have clinical sign ificance because it does not alter an amino acid residue and is not located with in the splice consensus sequence. It has been identified in 4.4% (376/8600) of E uropean American chromosomes from a broad population by the NHLBI Exome Sequenci ng Project (dbSNP rs149478284).

Breakthrough Genomics
Classification: Benign. Review status: criteria provided, single submitter. Criteria: ACMG Guidelines, 2015. Collection method: not provided. Allele origin: germline. Inheritance: Autosomal recessive inheritance. Affected: yes.